The following is an entry in ClinVar:

ClinVar aggregate classification (germline): Likely benign. Review status: criteria provided, multiple submitters, no conflicts (2 of 4 stars). 3 submissions from 3 submitters: Likely benign (3). Last evaluated 2025-07-31.

Conditions:
ATL3-related disorder. Also called: ATL3-related condition.
Neuropathy, hereditary sensory, type 1F. Also called: HSN IF; Hereditary sensory neuropathy type IF. Identifiers: Orphanet 36386, MedGen C3810194, MONDO:0014286, OMIM 615632.
Inborn genetic diseases. Identifiers: MedGen C0950123, MeSH D030342.

Allele frequency attached by ClinVar (database versions not stated): gnomAD exomes 0.00002 and 0.00008; ESP Exome Variant Server 0.00008; ExAC 0.00011; gnomAD 0.00021 and 0.00023; TOPMed 0.00027.
gnomAD v4.1: 59 of 1,613,974 alleles (0.0037%); highest among the groups gnomAD compares: African/African-American, 0.076%; no homozygotes.

Submissions (3):

PreventionGenetics, part of Exact Sciences
Classification: Likely benign for ATL3-related condition. Last evaluated: 2025-07-31. Review status: criteria provided, single submitter. Criteria: ACMG Guidelines, 2015. Collection method: clinical testing. Allele origin: germline.
Comment: This variant is classified as likely benign based on ACMG/AMP sequence variant interpretation guidelines (Richards et al. 2015 PMID: 25741868, with internal and published modifications).

Labcorp Genetics (formerly Invitae), Labcorp
Classification: Likely benign for Neuropathy, hereditary sensory, type 1F. Last evaluated: 2024-05-29. Review status: criteria provided, single submitter. Criteria: Invitae Variant Classification Sherloc (09022015). Collection method: clinical testing. Allele origin: germline.

Ambry Genetics
Classification: Likely benign for Inborn genetic diseases. Last evaluated: 2020-10-30. Review status: criteria provided, single submitter. Criteria: Ambry Variant Classification Scheme 2023. Collection method: clinical testing. Allele origin: germline.

NM_015459.5(ATL3):c.1552A>G (p.Ile518Val)

Genes: ATL3 (atlastin GTPase 3; minus strand), LNCROPM (lncRNA regulator of PLAAT3 mediated phospholipid metabolism; plus strand). Cytogenetic location: 11q13.1.
Variant type: single nucleotide variant.
Coding change: c.1552A>G on transcript NM_015459.5 (MANE Select); coding-DNA position 1552, A replaced by G.
Protein change: p.Ile518Val; replaces isoleucine 518 with valine.
Molecular consequence: missense variant.
Genome position (GRCh38, 1-based): chr11:63,629,393, T>C on the plus strand (A>G on the coding strand, the complement: ATL3 is on the minus strand). VCF-style: chr11-63629393-T-C. GRCh37 (hg19) VCF-style: chr11-63396865-T-C.
Other names: c.1498A>G, p.Ile500Val (NM_001290048.2); short protein forms I500V, I518V.
Identifiers: ClinVar variation 707176 (VCV000707176.13), dbSNP rs376073313, ClinGen allele CA6063478.